The following is an entry in ClinVar:

NM_007289.4(MME):c.1305G>C (p.Glu435Asp)

Gene: MME (membrane metalloendopeptidase; plus strand). Cytogenetic location: 3q25.2.
Variant type: single nucleotide variant.
Coding change: c.1305G>C on transcript NM_007289.4 (MANE Select); coding-DNA position 1305, G replaced by C.
Protein change: p.Glu435Asp; replaces glutamic acid 435 with aspartic acid.
Molecular consequence: missense variant.
Genome position (GRCh38, 1-based): chr3:155,143,559, G>C. VCF-style: chr3-155143559-G-C. GRCh37 (hg19) VCF-style: chr3-154861348-G-C.
Other names: c.1305G>C, p.Glu435Asp (NM_000902.5, NM_001354642.2, NM_001354643.1 and 2 more transcripts); short protein forms E435D.
Identifiers: ClinVar variation 1478843 (VCV001478843.8), dbSNP rs1721282580, ClinGen allele CA355130501.

ClinVar aggregate classification (germline): Uncertain significance (1 of 4 stars; one submission).

Allele frequency attached by ClinVar (database versions not stated): gnomAD exomes 0.00001.
gnomAD v4.1: 8 of 1,612,206 alleles (0.0005%); highest among the groups gnomAD compares: Non-Finnish European, 0.00068%; no homozygotes.

Submission:

Labcorp Genetics (formerly Invitae), Labcorp
Classification: Uncertain significance. Last evaluated: 2021-02-24. Review status: criteria provided, single submitter. Criteria: Invitae Variant Classification Sherloc (09022015). Collection method: clinical testing. Allele origin: germline.
Comment: In summary, the available evidence is currently insufficient to determine the role of this variant in disease. Therefore, it has been classified as a Variant of Uncertain Significance. This sequence change replaces glutamic acid with aspartic acid at codon 435 of the MME protein (p.Glu435Asp). The glutamic acid residue is moderately conserved and there is a small physicochemical difference between glutamic acid and aspartic acid. This variant is not present in population databases (ExAC no frequency). This variant has not been reported in the literature in individuals with MME-related conditions. Algorithms developed to predict the effect of missense changes on protein structure and function output the following: SIFT: "Tolerated"; PolyPhen-2: "Benign"; Align-GVGD: "Class C0". The aspartic acid amino acid residue is found in multiple mammalian species, suggesting that this missense change does not adversely affect protein function. These predictions have not been confirmed by published functional studies and their clinical significance is uncertain.